The following is an entry in ClinVar:

NM_013352.4(DSE):c.2083G>A (p.Ala695Thr)

Gene: DSE (dermatan sulfate epimerase; plus strand). Cytogenetic location: 6q22.1.
Variant type: single nucleotide variant.
Coding change: c.2083G>A on transcript NM_013352.4 (MANE Select); coding-DNA position 2083, G replaced by A.
Protein change: p.Ala695Thr; replaces alanine 695 with threonine.
Molecular consequence: missense variant. On other transcripts: 3 prime UTR variant (2), non-coding transcript variant (1).
Genome position (GRCh38, 1-based): chr6:116,436,551, G>A. VCF-style: chr6-116436551-G-A. GRCh37 (hg19) VCF-style: chr6-116757714-G-A.
Other names: c.2083G>A, p.Ala695Thr (NM_001080976.3, NM_001322937.2, NM_001322938.2); c.2140G>A, p.Ala714Thr (NM_001322939.2); c.1522G>A, p.Ala508Thr (NM_001322940.2, NM_001322941.2); c.*948G>A (NM_001322943.2, NM_001322944.2); c.1084G>A, p.Ala362Thr (NM_001374520.1); c.1048G>A, p.Ala350Thr (NM_001374521.1); short protein forms A695T, A508T, A714T, A350T, A362T.
Identifiers: ClinVar variation 452701 (VCV000452701.7), dbSNP rs148394823, ClinGen allele CA3969759.
Genomic context (GRCh38, chr6:116,436,551, plus strand): 5'-ACTGTCCACGGAGACTCTCAGCAACTGGATGTGTTCATAGCCACCAGCAAACATGCCTAC[G>A]CCACATACCTGTGGACAGGTGAGGCCACAGGACAGTCTGCCTTTGCACAGGTCATTGCTG-3'
Protein context (NP_037484.1, residues 685-705): VFIATSKHAY[Ala695Thr]TYLWTGEATG

ClinVar aggregate classification (germline): Uncertain significance. Review status: criteria provided, multiple submitters, no conflicts (2 of 4 stars). 3 submissions from 3 submitters: Uncertain significance (3). Last evaluated 2026-06-15.

Conditions:
Inborn genetic diseases. Identifiers: MedGen C0950123, MeSH D030342.

Allele frequency attached by ClinVar (database versions not stated): gnomAD exomes 0.00004 and 0.00001; ExAC 0.00004; gnomAD 0.00014 and 0.00013; ESP Exome Variant Server 0.00015; TOPMed 0.00014.
gnomAD v4.1: 37 of 1,614,024 alleles (0.0023%); highest among the groups gnomAD compares: African/African-American, 0.035%; no homozygotes.

Submissions (3):

Women's Health and Genetics/Laboratory Corporation of America, LabCorp
Classification: Uncertain significance. Last evaluated: 2026-06-15. Review status: criteria provided, single submitter. Criteria: LabCorp Variant Classification Summary - May 2015. Collection method: clinical testing. Allele origin: germline.

Ambry Genetics
Classification: Uncertain significance for Inborn genetic diseases. Last evaluated: 2025-05-30. Review status: criteria provided, single submitter. Criteria: Ambry Variant Classification Scheme 2023. Collection method: clinical testing. Allele origin: germline.

GeneDx
Classification: Uncertain significance. Last evaluated: 2022-04-26. Review status: criteria provided, single submitter. Criteria: GeneDx Variant Classification Process June 2021. Collection method: clinical testing. Allele origin: germline. Affected: yes.
Comment: In silico analysis supports that this missense variant does not alter protein structure/function; Has not been previously published as pathogenic or benign to our knowledge